The following is an entry in ClinVar:

GRCh38/hg38 15q11.2(chr15:22781888-23030923)

Genes: CYFIP1 (cytoplasmic FMR1 interacting protein 1; minus strand), NIPA1 (NIPA magnesium transporter 1; plus strand), NIPA2 (NIPA magnesium transporter 2; plus strand), TUBGCP5 (tubulin gamma complex component 5; minus strand), LOC112272575 (Sharpr-MPRA regulatory region 8478; plus strand) and 11 more. Cytogenetic location: 15q11.2.
Variant type: copy number loss.
Identifiers: ClinVar variation 2499630 (VCV002499630.3).

ClinVar aggregate classification (germline): Uncertain significance (1 of 4 stars; one submission).

Conditions:
Chromosome 15q11.2 deletion syndrome. Identifiers: Orphanet 261183, MedGen C3180937, MONDO:0014294, OMIM 615656.

Submission:

Daryl Scott Lab, Baylor College of Medicine
Classification: Uncertain significance for Chromosome 15q11.2 deletion syndrome. Last evaluated: 2023-08-14. Review status: criteria provided, single submitter. Criteria: ACMG/ClinGen CNV Guidelines, 2019. Collection method: curation. Allele origin: unknown. Affected: yes.
Comment: Susceptibility locus: 4M (0.45)

Literature cited by the submitters: PubMed 37673932.